The following is an entry in ClinVar:

NM_015443.4(KANSL1):c.2874G>C (p.Gln958His)

Gene: KANSL1 (KAT8 regulatory NSL complex subunit 1). Cytogenetic location: 17q21.31.
Variant type: single nucleotide variant.
Coding change: c.2874G>C on transcript NM_015443.4 (MANE Select); coding-DNA position 2874, G replaced by C.
Protein change: p.Gln958His; replaces glutamine 958 with histidine.
Molecular consequence: missense variant. On other transcripts: intron variant (4).
Genome position (GRCh38, 1-based): chr17:46,032,263, C>G on the plus strand (G>C on the coding strand, the complement: KANSL1 is on the minus strand). VCF-style: chr17-46032263-C-G. GRCh37 (hg19) VCF-style: chr17-44109629-C-G.
Other names: c.1605G>C, p.Gln535His (NM_001405883.1); c.1419G>C, p.Gln473His (NM_001405884.1); c.1416G>C, p.Gln472His (NM_001405885.1); c.2733-96G>C (NM_001405881.1); c.2838-96G>C (NM_001405872.1, NM_001405874.1, NM_001405873.1); c.2685G>C, p.Gln895His (NM_001405878.1, NM_001405875.1, NM_001405876.1 and 1 more transcripts); c.2682G>C, p.Gln894His (NM_001405879.1, NM_001405880.1); c.1608G>C, p.Gln536His (NM_001405882.1); and 4 more; short protein forms Q535H, Q923H, Q958H, Q536H, Q472H, Q895H, Q957H, Q473H.
Identifiers: ClinVar variation 3531748 (VCV003531748.3).

ClinVar aggregate classification (germline): Uncertain significance. Review status: criteria provided, multiple submitters, no conflicts (2 of 4 stars). 2 submissions from 2 submitters: Uncertain significance (2). Last evaluated 2024-09-03.

Conditions:
Koolen-de Vries syndrome (KDVS). Identifiers: Orphanet 96169, MedGen C1864871, MONDO:0012496, OMIM 610443.
Inborn genetic diseases. Identifiers: MedGen C0950123, MeSH D030342.

gnomAD v4.1: 1 of 1,536,822 alleles (0.000065%); no homozygotes.

Submissions (2):

Ambry Genetics
Classification: Uncertain significance for Inborn genetic diseases. Last evaluated: 2024-09-03. Review status: criteria provided, single submitter. Criteria: Ambry Variant Classification Scheme 2023. Collection method: clinical testing. Allele origin: germline.

Labcorp Genetics (formerly Invitae), Labcorp
Classification: Uncertain significance for Koolen-de Vries syndrome. Last evaluated: 2024-02-15. Review status: criteria provided, single submitter. Criteria: Invitae Variant Classification Sherloc (09022015). Collection method: clinical testing. Allele origin: germline.
Comment: This sequence change replaces glutamine, which is neutral and polar, with histidine, which is basic and polar, at codon 958 of the KANSL1 protein (p.Gln958His). This variant is not present in population databases (gnomAD no frequency). This variant has not been reported in the literature in individuals affected with KANSL1-related conditions. Advanced modeling of protein sequence and biophysical properties (such as structural, functional, and spatial information, amino acid conservation, physicochemical variation, residue mobility, and thermodynamic stability) performed at Invitae indicates that this missense variant is not expected to disrupt KANSL1 protein function with a negative predictive value of 80%. In summary, the available evidence is currently insufficient to determine the role of this variant in disease. Therefore, it has been classified as a Variant of Uncertain Significance.